The following is an entry in ClinVar:

ClinVar aggregate classification (germline): Uncertain significance (1 of 4 stars; one submission).

gnomAD v4.1: 2 of 1,210,153 alleles (0.00017%); highest among the groups gnomAD compares: Non-Finnish European, 0.00022%; no homozygotes.

Submission:

GeneDx
Classification: Uncertain significance. Last evaluated: 2026-02-26. Review status: criteria provided, single submitter. Criteria: GeneDx Variant Classification Process June 2021. Collection method: clinical testing. Allele origin: germline.
Comment: Not observed at significant frequency in large population cohorts (gnomAD); In silico analysis supports that this missense variant has a deleterious effect on protein structure/function; Has not been previously published as pathogenic or benign to our knowledge

NM_000276.4(OCRL):c.2410T>A (p.Cys804Ser)

Gene: OCRL (OCRL inositol polyphosphate-5-phosphatase; plus strand). Cytogenetic location: Xq26.1.
Variant type: single nucleotide variant.
Coding change: c.2410T>A on transcript NM_000276.4 (MANE Select); coding-DNA position 2410, T replaced by A.
Protein change: p.Cys804Ser; replaces cysteine 804 with serine.
Molecular consequence: missense variant.
Genome position (GRCh38, 1-based): chrX:129,588,954, T>A. VCF-style: chrX-129588954-T-A. GRCh37 (hg19) VCF-style: chrX-128722931-T-A.
Other names: c.2413T>A, p.Cys805Ser (NM_001318784.2); c.2386T>A, p.Cys796Ser (NM_001587.4); short protein forms C804S, C805S, C796S.
Identifiers: ClinVar variation 5010086 (VCV005010086.1).